The following is an entry in ClinVar:

ClinVar aggregate classification (germline): Uncertain significance. Review status: criteria provided, multiple submitters, no conflicts (2 of 4 stars). 4 submissions from 4 submitters: Uncertain significance (4). Last evaluated 2024-09-22.

Conditions:
Familial cancer of breast. Also called: hereditary breast carcinoma; Hereditary breast cancer; BREAST CANCER, FAMILIAL. Identifiers: Orphanet 227535, MedGen C0346153, MONDO:0016419, OMIM 114480. Disease mechanism: loss of function.
Hereditary cancer-predisposing syndrome. Also called: Tumor predisposition; Hereditary Cancer Syndrome; Neoplastic Syndromes, Hereditary; Hereditary neoplastic syndrome. Identifiers: Orphanet 140162, MedGen C0027672, MeSH D009386, MONDO:0015356.

Allele frequency attached by ClinVar (database versions not stated): gnomAD exomes below 0.00001.

Submissions (4):

Labcorp Genetics (formerly Invitae), Labcorp
Classification: Uncertain significance for Familial cancer of breast. Last evaluated: 2024-09-22. Review status: criteria provided, single submitter. Criteria: Invitae Variant Classification Sherloc (09022015). Collection method: clinical testing. Allele origin: germline.
Comment: This sequence change replaces leucine, which is neutral and non-polar, with phenylalanine, which is neutral and non-polar, at codon 624 of the PALB2 protein (p.Leu624Phe). This variant is not present in population databases (gnomAD no frequency). This variant has not been reported in the literature in individuals affected with PALB2-related conditions. ClinVar contains an entry for this variant (Variation ID: 481044). Invitae Evidence Modeling of protein sequence and biophysical properties (such as structural, functional, and spatial information, amino acid conservation, physicochemical variation, residue mobility, and thermodynamic stability) has been performed for this missense variant. However, the output from this modeling did not meet the statistical confidence thresholds required to predict the impact of this variant on PALB2 protein function. In summary, the available evidence is currently insufficient to determine the role of this variant in disease. Therefore, it has been classified as a Variant of Uncertain Significance.

Blueprint Genetics
Classification: Uncertain significance. Last evaluated: 2023-10-05. Review status: criteria provided, single submitter. Criteria: ACMG Guidelines, 2015. Collection method: clinical testing. Allele origin: germline.

Ambry Genetics
Classification: Uncertain significance for Hereditary cancer-predisposing syndrome. Last evaluated: 2023-06-14. Review status: criteria provided, single submitter. Criteria: Ambry Variant Classification Scheme 2023. Collection method: clinical testing. Allele origin: germline.
Comment: The p.L624F variant (also known as c.1870C>T), located in coding exon 5 of the PALB2 gene, results from a C to T substitution at nucleotide position 1870. The leucine at codon 624 is replaced by phenylalanine, an amino acid with highly similar properties. This amino acid position is well conserved in available vertebrate species. In addition, this alteration is predicted to be tolerated by in silico analysis. Since supporting evidence is limited at this time, the clinical significance of this alteration remains unclear.

Color Diagnostics, LLC DBA Color Health
Classification: Uncertain significance for Hereditary cancer-predisposing syndrome. Last evaluated: 2020-12-22. Review status: criteria provided, single submitter. Criteria: ACMG Guidelines, 2015. Collection method: clinical testing. Allele origin: germline.
Comment: This missense variant replaces leucine with phenylalanine at codon 624 of the PALB2 protein. Computational prediction suggests that this variant may not impact protein structure and function (internally defined REVEL score threshold <= 0.5, PMID: 27666373). To our knowledge, functional studies have not been reported for this variant. This variant has been reported in individuals affected with ovarian cancer (PMID: 32546565). This variant has not been identified in the general population by the Genome Aggregation Database (gnomAD). The available evidence is insufficient to determine the role of this variant in disease conclusively. Therefore, this variant is classified as a Variant of Uncertain Significance.

NM_024675.4(PALB2):c.1870C>T (p.Leu624Phe)

Gene: PALB2 (partner and localizer of BRCA2; minus strand). Cytogenetic location: 16p12.2.
Variant type: single nucleotide variant.
Coding change: c.1870C>T on transcript NM_024675.4 (MANE Select); coding-DNA position 1870, C replaced by T.
Protein change: p.Leu624Phe; replaces leucine 624 with phenylalanine.
Molecular consequence: missense variant.
Genome position (GRCh38, 1-based): chr16:23,630,284, G>A on the plus strand (C>T on the coding strand, the complement: PALB2 is on the minus strand). VCF-style: chr16-23630284-G-A. GRCh37 (hg19) VCF-style: chr16-23641605-G-A.
Other names: short protein forms L624F.
Identifiers: ClinVar variation 481044 (VCV000481044.20), dbSNP rs1555460610, ClinGen allele CA395127691.